The following is an entry in ClinVar:

NM_002471.4(MYH6):c.1408G>A (p.Asp470Asn)

Gene: MYH6 (myosin heavy chain 6; minus strand). Cytogenetic location: 14q11.2.
Variant type: single nucleotide variant.
Coding change: c.1408G>A on transcript NM_002471.4 (MANE Select); coding-DNA position 1408, G replaced by A.
Protein change: p.Asp470Asn; replaces aspartic acid 470 with asparagine.
Molecular consequence: missense variant.
Genome position (GRCh38, 1-based): chr14:23,400,711, C>T on the plus strand (G>A on the coding strand, the complement: MYH6 is on the minus strand). VCF-style: chr14-23400711-C-T. GRCh37 (hg19) VCF-style: chr14-23869920-C-T.
Other names: short protein forms D470N.
Identifiers: ClinVar variation 263566 (VCV000263566.16), dbSNP rs777651128, ClinGen allele CA7115822.

ClinVar aggregate classification (germline): Uncertain significance. Review status: criteria provided, multiple submitters, no conflicts (2 of 4 stars). 4 submissions from 4 submitters: Uncertain significance (4). Last evaluated 2024-08-23.

Conditions:
Cardiovascular phenotype. Identifiers: MedGen CN230736.
Atrial septal defect 3 (ASD3). Identifiers: Orphanet 1478, MedGen C3279790, MONDO:0013567, OMIM 614089.
Hypertrophic cardiomyopathy 1 (CMH1). Also called: MYH7-Related Familial Hypertrophic Cardiomyopathy; Familial hypertrophic cardiomyopathy 1. Identifiers: MedGen C3495498, MONDO:0008647, OMIM 192600.
Sick sinus syndrome 3, susceptibility to (SSS3). Identifiers: Orphanet 166282, MedGen C3279791, MONDO:0013568, OMIM 614090.
Hypertrophic cardiomyopathy 14. Identifiers: MedGen C2750467, MONDO:0013197, OMIM 613251.
Dilated cardiomyopathy 1EE (CMD1EE). Identifiers: Orphanet 154, MedGen C2750466, MONDO:0013198, OMIM 613252.

gnomAD v4.1: 30 of 1,614,226 alleles (0.0019%); highest among the groups gnomAD compares: Non-Finnish European, 0.0022%; no homozygotes.

Submissions (4):

Ambry Genetics
Classification: Uncertain significance for Cardiovascular phenotype. Last evaluated: 2024-08-23. Review status: criteria provided, single submitter. Criteria: Ambry Variant Classification Scheme 2023. Collection method: clinical testing. Allele origin: germline.
Comment: The p.D470N variant (also known as c.1408G>A), located in coding exon 11 of the MYH6 gene, results from a G to A substitution at nucleotide position 1408. The aspartic acid at codon 470 is replaced by asparagine, an amino acid with highly similar properties. This amino acid position is highly conserved in available vertebrate species. In addition, this alteration is predicted to be tolerated by in silico analysis. Since supporting evidence is limited at this time, the clinical significance of this alteration remains unclear.

Blueprint Genetics
Classification: Uncertain significance. Last evaluated: 2023-06-08. Review status: criteria provided, single submitter. Criteria: ACMG Guidelines, 2015. Collection method: clinical testing. Allele origin: germline.

Labcorp Genetics (formerly Invitae), Labcorp
Classification: Uncertain significance for Hypertrophic cardiomyopathy 14. Last evaluated: 2023-02-03. Review status: criteria provided, single submitter. Criteria: Invitae Variant Classification Sherloc (09022015). Collection method: clinical testing. Allele origin: germline.
Comment: This sequence change replaces aspartic acid, which is acidic and polar, with asparagine, which is neutral and polar, at codon 470 of the MYH6 protein (p.Asp470Asn). This variant is present in population databases (rs777651128, gnomAD 0.006%). This variant has not been reported in the literature in individuals affected with MYH6-related conditions. ClinVar contains an entry for this variant (Variation ID: 263566). Algorithms developed to predict the effect of missense changes on protein structure and function are either unavailable or do not agree on the potential impact of this missense change (SIFT: "Deleterious"; PolyPhen-2: "Possibly Damaging"; Align-GVGD: "Class C0"). In summary, the available evidence is currently insufficient to determine the role of this variant in disease. Therefore, it has been classified as a Variant of Uncertain Significance.

Fulgent Genetics
Classification: Uncertain significance for Hypertrophic cardiomyopathy 1; Hypertrophic cardiomyopathy 14; Dilated cardiomyopathy 1EE; Atrial septal defect 3; Sick sinus syndrome 3, susceptibility to. Last evaluated: 2021-10-02. Review status: criteria provided, single submitter. Criteria: ACMG Guidelines, 2015. Collection method: clinical testing. Allele origin: unknown.